The following is an entry in ClinVar:

ClinVar aggregate classification (germline): Uncertain significance (1 of 4 stars; one submission).

Conditions:
Ataxia-telangiectasia syndrome (AT). Also called: ATAXIA-TELANGIECTASIA, COMPLEMENTATION GROUP A; ATAXIA-TELANGIECTASIA, FRESNO VARIANT; Ataxia-telangiectasia, complementation group E; Ataxia telangiectasia (A-T); LOUIS-BAR SYNDROME; Cerebello-oculocutaneous telangiectasia. Identifiers: Orphanet 100, MedGen C0004135, MONDO:0008840, OMIM 208900.

Submission:

Labcorp Genetics (formerly Invitae), Labcorp
Classification: Uncertain significance for Ataxia-telangiectasia syndrome. Last evaluated: 2019-01-26. Review status: criteria provided, single submitter. Criteria: Invitae Variant Classification Sherloc (09022015). Collection method: clinical testing. Allele origin: germline.
Comment: This variant results in a copy number gain of the genomic region encompassing exons 2-16 of the ATM gene. The 5' end of this event is unknown as it extends beyond the assayed region for this gene and therefore may encompass additional genes. The 3' boundary is likely confined to intron 16 of the ATM gene. As the precise location of this event is unknown, it may be in tandem or it may be located elsewhere in the genome. This variant has not been reported in the literature in individuals with ATM-related conditions. Experimental studies and prediction algorithms are not available for this variant, and the functional significance of the affected amino acid(s) is currently unknown. In summary, the available evidence is currently insufficient to determine the role of this variant in disease. Therefore, it has been classified as a Variant of Uncertain Significance.

NC_000011.10:g.(?_108227615)_(108259085_?)dup

Gene: ATM (ATM serine/threonine kinase; plus strand). Cytogenetic location: 11q22.3.
Variant type: Duplication.
Identifiers: ClinVar variation 831725 (VCV000831725.4).